The following is an entry in ClinVar:

ClinVar aggregate classification (germline): Uncertain significance (1 of 4 stars; one submission).

Conditions:
Benign neonatal seizures. Also called: Benign familial neonatal epilepsy; Benign familial neonatal seizures; Convulsions benign familial neonatal dominant form; Autosomal dominant form of benign neonatal seizures; Benign neonatal familial convulsions. Identifiers: Orphanet 1949, MedGen C0220669, MONDO:0016027.

gnomAD v4.1: 2 of 1,614,200 alleles (0.00012%); highest among the groups gnomAD compares: Non-Finnish European, 0.00017%; no homozygotes.

Submission:

Labcorp Genetics (formerly Invitae), Labcorp
Classification: Uncertain significance for Benign neonatal seizures. Last evaluated: 2021-04-23. Review status: criteria provided, single submitter. Criteria: Invitae Variant Classification Sherloc (09022015). Collection method: clinical testing. Allele origin: germline.
Comment: This variant is not present in population databases (ExAC no frequency). In summary, the available evidence is currently insufficient to determine the role of this variant in disease. Therefore, it has been classified as a Variant of Uncertain Significance. Advanced modeling of protein sequence and biophysical properties (such as structural, functional, and spatial information, amino acid conservation, physicochemical variation, residue mobility, and thermodynamic stability) performed at Invitae indicates that this missense variant is not expected to disrupt KCNQ3 protein function. This variant has not been reported in the literature in individuals with KCNQ3-related conditions. This sequence change replaces proline with serine at codon 696 of the KCNQ3 protein (p.Pro696Ser). The proline residue is highly conserved and there is a moderate physicochemical difference between proline and serine.

NM_004519.4(KCNQ3):c.2086C>T (p.Pro696Ser)

Gene: KCNQ3 (potassium voltage-gated channel subfamily Q member 3; minus strand). Cytogenetic location: 8q24.22.
Variant type: single nucleotide variant.
Coding change: c.2086C>T on transcript NM_004519.4 (MANE Select); coding-DNA position 2086, C replaced by T.
Protein change: p.Pro696Ser; replaces proline 696 with serine.
Molecular consequence: missense variant.
Genome position (GRCh38, 1-based): chr8:132,129,795, G>A on the plus strand (C>T on the coding strand, the complement: KCNQ3 is on the minus strand). VCF-style: chr8-132129795-G-A. GRCh37 (hg19) VCF-style: chr8-133142042-G-A.
Other names: c.1726C>T, p.Pro576Ser (NM_001204824.2); short protein forms P576S, P696S.
Identifiers: ClinVar variation 1349187 (VCV001349187.8), dbSNP rs1055327554, ClinGen allele CA185430105.